The following is an entry in ClinVar:

NM_000059.4(BRCA2):c.1996A>C (p.Ile666Leu)

Gene: BRCA2 (BRCA2 DNA repair associated; plus strand). Cytogenetic location: 13q13.1.
Variant type: single nucleotide variant.
Coding change: c.1996A>C on transcript NM_000059.4 (MANE Select); coding-DNA position 1996, A replaced by C.
Protein change: p.Ile666Leu; replaces isoleucine 666 with leucine.
Molecular consequence: missense variant. On other transcripts: non-coding transcript variant (1), intron variant (2).
Genome position (GRCh38, 1-based): chr13:32,336,351, A>C. VCF-style: chr13-32336351-A-C. GRCh37 (hg19) VCF-style: chr13-32910488-A-C.
Other names: c.1996A>C, p.Ile666Leu (NM_001406719.1, NM_001406720.1); c.1909+2964A>C (NM_001406721.1); c.424+5321A>C (NM_001406722.1); short protein forms I666L.
Identifiers: ClinVar variation 2505522 (VCV002505522.4), dbSNP rs864622172, ClinGen allele CA387768676.

ClinVar aggregate classification (germline): Uncertain significance. Review status: criteria provided, multiple submitters, no conflicts (2 of 4 stars). 2 submissions from 2 submitters: Uncertain significance (2). Last evaluated 2024-12-06.

Conditions:
Breast-ovarian cancer, familial, susceptibility to, 2 (BROVCA2). Also called: BRCA2 Hereditary Breast and Ovarian Cancer. Identifiers: Orphanet 145, MedGen C2675520, MONDO:0012933, OMIM 612555. Disease mechanism: loss of function.
Hereditary breast ovarian cancer syndrome. Also called: Hereditary breast and ovarian cancer syndrome; Hereditary breast and ovarian cancer syndrome (HBOC); Breast and ovarian cancer; BRCA1- and BRCA2-Associated Hereditary Breast and Ovarian Cancer; Hereditary breast and/or ovarian cancer syndrome; Hereditary breast and ovarian cancer. Identifiers: Orphanet 145, MedGen C0677776, MeSH D061325, MONDO:0003582. Disease mechanism: loss of function.

Submissions (2):

Labcorp Genetics (formerly Invitae), Labcorp
Classification: Uncertain significance for Hereditary breast ovarian cancer syndrome. Last evaluated: 2024-12-06. Review status: criteria provided, single submitter. Criteria: Invitae Variant Classification Sherloc (09022015). Collection method: clinical testing. Allele origin: germline.
Comment: This sequence change replaces isoleucine, which is neutral and non-polar, with leucine, which is neutral and non-polar, at codon 666 of the BRCA2 protein (p.Ile666Leu). This variant is not present in population databases (gnomAD no frequency). This variant has not been reported in the literature in individuals affected with BRCA2-related conditions. ClinVar contains an entry for this variant (Variation ID: 2505522). Invitae Evidence Modeling of protein sequence and biophysical properties (such as structural, functional, and spatial information, amino acid conservation, physicochemical variation, residue mobility, and thermodynamic stability) indicates that this missense variant is not expected to disrupt BRCA2 protein function with a negative predictive value of 95%. In summary, the available evidence is currently insufficient to determine the role of this variant in disease. Therefore, it has been classified as a Variant of Uncertain Significance.

KCCC/NGS Laboratory, Kuwait Cancer Control Center
Classification: Uncertain significance for Breast-ovarian cancer, familial, susceptibility to, 2. Last evaluated: 2023-06-06. Review status: criteria provided, single submitter. Criteria: ACMG Guidelines, 2015. Collection method: clinical testing. Allele origin: germline. Affected: yes.
Comment: A variant on uncertain significance was detected in the BRCA2 gene (c.1996A>C). The p.Ile666Leu variant located in coding exon 11 of the BRCA2 gene, results from a A to C substitution at nucleotide position 1996. The Isoleucine at codon 666 is replaced by Leucine, This amino acid position is not conserved (PhyloP= -0.76 ). This variant not present in our local database nor was it identified in the Genome Aggregation Database The computational analyses (PolyPhen-2, SIFT, MutationTaster) do not suggest a high pathogenic impacts on the protein; however, this information is not predictive enough to rule out pathogenicity. ClinVar has an entry (219593) for another variant C..1996A>G at same postion with same aminoacid change p.Ile666Leu reported as uncertain significance .. Since supporting evidence is limited at this time, this variant is classified as of uncertain significance.